The following is an entry in ClinVar:

ClinVar aggregate classification (germline): Uncertain significance (1 of 4 stars; one submission).

Submission:

GeneDx
Classification: Uncertain significance. Last evaluated: 2024-04-26. Review status: criteria provided, single submitter. Criteria: GeneDx Variant Classification Process June 2021. Collection method: clinical testing. Allele origin: germline. Affected: yes.
Comment: Not observed at significant frequency in large population cohorts (gnomAD); In silico analysis supports a deleterious effect on splicing; In silico analysis indicates that this missense variant does not alter protein structure/function; Has not been previously published as pathogenic or benign to our knowledge; This variant is associated with the following publications: (PMID: 10835628, 11114740)

NM_182925.5(FLT4):c.3473C>T (p.Ala1158Val)

Gene: FLT4 (fms related receptor tyrosine kinase 4; minus strand). Cytogenetic location: 5q35.3.
Variant type: single nucleotide variant.
Coding change: c.3473C>T on transcript NM_182925.5 (MANE Select); coding-DNA position 3473, C replaced by T.
Protein change: p.Ala1158Val; replaces alanine 1158 with valine.
Molecular consequence: missense variant.
Genome position (GRCh38, 1-based): chr5:180,612,570, G>A on the plus strand (C>T on the coding strand, the complement: FLT4 is on the minus strand). VCF-style: chr5-180612570-G-A. GRCh37 (hg19) VCF-style: chr5-180039570-G-A.
Other names: c.3473C>T, p.Ala1158Val (NM_001354989.2, NM_002020.5); short protein forms A1158V.
Identifiers: ClinVar variation 3373154 (VCV003373154.1).
Genomic context (GRCh38, chr5:180,612,570, plus strand): 5'-AGGCCCCTGCCCTGGAGCAGGTCCCCCAGGATCTCCACCAGCTCCGAGAATGCAGGTCTC[G>A]CCTTGGGGTCTCCGGACCAGCAGTTCAGCATGATGCGGCGTCTGCAGGATCACGTGGGCT-3'
Protein context (NP_891555.2, residues 1148-1168): MLNCWSGDPK[Ala1158Val]RPAFSELVEI